The following is an entry in ClinVar:

NM_001365536.1(SCN9A):c.188A>G (p.Tyr63Cys)

Gene: SCN9A (sodium voltage-gated channel alpha subunit 9; minus strand). Cytogenetic location: 2q24.3.
Variant type: single nucleotide variant.
Coding change: c.188A>G on transcript NM_001365536.1 (MANE Select); coding-DNA position 188, A replaced by G.
Protein change: p.Tyr63Cys; replaces tyrosine 63 with cysteine.
Molecular consequence: missense variant.
Genome position (GRCh38, 1-based): chr2:166,311,569, T>C on the plus strand (A>G on the coding strand, the complement: SCN9A is on the minus strand). VCF-style: chr2-166311569-T-C. GRCh37 (hg19) VCF-style: chr2-167168079-T-C.
Other names: c.188A>G, p.Tyr63Cys (NM_002977.4); short protein forms Y63C.
Identifiers: ClinVar variation 938943 (VCV000938943.6), dbSNP rs1698959401, ClinGen allele CA349095916.

ClinVar aggregate classification (germline): Uncertain significance (1 of 4 stars; one submission).

Conditions:
Generalized epilepsy with febrile seizures plus, type 7 (GEFSP7). Also called: GEFS+, TYPE 7. Identifiers: Orphanet 36387, MedGen C2751778, MONDO:0013470, OMIM 613863.
Neuropathy, hereditary sensory and autonomic, type 2A (HSAN2A). Also called: HSAN IIA; MORVAN DISEASE; NEUROPATHY, CONGENITAL SENSORY; NEUROPATHY, HEREDITARY SENSORY RADICULAR, AUTOSOMAL RECESSIVE; NEUROPATHY, HEREDITARY SENSORY, TYPE IIA; NEUROPATHY, PROGRESSIVE SENSORY, OF CHILDREN. Identifiers: Orphanet 970, MedGen C2752089, MONDO:0024309, OMIM 201300.

Allele frequency attached by ClinVar (database versions not stated): gnomAD exomes below 0.00001; TOPMed below 0.00001; gnomAD 0.00001.
gnomAD v4.1: 4 of 1,613,172 alleles (0.00025%); highest among the groups gnomAD compares: Non-Finnish European, 0.00017%; no homozygotes.

Submission:

Labcorp Genetics (formerly Invitae), Labcorp
Classification: Uncertain significance for Neuropathy, hereditary sensory and autonomic, type 2A; Generalized epilepsy with febrile seizures plus, type 7. Last evaluated: 2022-07-10. Review status: criteria provided, single submitter. Criteria: Invitae Variant Classification Sherloc (09022015). Collection method: clinical testing. Allele origin: germline.
Comment: In summary, the available evidence is currently insufficient to determine the role of this variant in disease. Therefore, it has been classified as a Variant of Uncertain Significance. Algorithms developed to predict the effect of missense changes on protein structure and function are either unavailable or do not agree on the potential impact of this missense change (SIFT: "Deleterious"; PolyPhen-2: "Probably Damaging"; Align-GVGD: "Class C0"). ClinVar contains an entry for this variant (Variation ID: 938943). This variant has not been reported in the literature in individuals affected with SCN9A-related conditions. This variant is not present in population databases (gnomAD no frequency). This sequence change replaces tyrosine, which is neutral and polar, with cysteine, which is neutral and slightly polar, at codon 63 of the SCN9A protein (p.Tyr63Cys).